The following is an entry in ClinVar:

ClinVar aggregate classification (germline): Uncertain significance (1 of 4 stars; one submission).

Allele frequency attached by ClinVar (database versions not stated): gnomAD exomes below 0.00001.
gnomAD v4.1: 1 of 1,602,330 alleles (0.000062%); highest among the groups gnomAD compares: Admixed American, 0.0017%; no homozygotes.

Submission:

Labcorp Genetics (formerly Invitae), Labcorp
Classification: Uncertain significance. Last evaluated: 2023-04-10. Review status: criteria provided, single submitter. Criteria: Invitae Variant Classification Sherloc (09022015). Collection method: clinical testing. Allele origin: germline.
Comment: This variant has not been reported in the literature in individuals affected with NSD1-related conditions. This variant is not present in population databases (gnomAD no frequency). This sequence change replaces glycine, which is neutral and non-polar, with arginine, which is basic and polar, at codon 596 of the NSD1 protein (p.Gly596Arg). In summary, the available evidence is currently insufficient to determine the role of this variant in disease. Therefore, it has been classified as a Variant of Uncertain Significance. Advanced modeling of protein sequence and biophysical properties (such as structural, functional, and spatial information, amino acid conservation, physicochemical variation, residue mobility, and thermodynamic stability) performed at Invitae indicates that this missense variant is not expected to disrupt NSD1 protein function. ClinVar contains an entry for this variant (Variation ID: 1957867).

NM_022455.5(NSD1):c.1786G>C (p.Gly596Arg)

Gene: NSD1 (nuclear receptor binding SET domain protein 1; plus strand). Cytogenetic location: 5q35.3.
Variant type: single nucleotide variant.
Coding change: c.1786G>C on transcript NM_022455.5 (MANE Select); coding-DNA position 1786, G replaced by C.
Protein change: p.Gly596Arg; replaces glycine 596 with arginine.
Molecular consequence: missense variant.
Genome position (GRCh38, 1-based): chr5:177,210,185, G>C. VCF-style: chr5-177210185-G-C. GRCh37 (hg19) VCF-style: chr5-176637186-G-C.
Other names: c.913G>C, p.Gly305Arg (NM_001365684.2, NM_001409306.1, NM_001409307.1 and 3 more transcripts); c.1786G>C, p.Gly596Arg (NM_001409301.1, NM_001409302.1, NM_001409303.1); c.1366G>C, p.Gly456Arg (NM_001409304.1); c.1033G>C, p.Gly345Arg (NM_001409305.1); short protein forms G596R, G305R, G327R, G345R, G456R.
Identifiers: ClinVar variation 1957867 (VCV001957867.5), dbSNP rs971893267, ClinGen allele CA132829535.
Genomic context (GRCh38, chr5:177,210,185, plus strand): 5'-AACACTGCAAAGAAAGAATTTGAGACTTCAAATGGTGACTCTTTATTGGGCTTGCCTGAG[G>C]GTGCTTTGATCTCAAAGTGTTCTCGAGAGAAGAATAAACCCCAACGAAGCCTGGTGTGTG-3'
Protein context (NP_071900.2, residues 586-606): NGDSLLGLPE[Gly596Arg]ALISKCSREK